The following is an entry in ClinVar:

ClinVar aggregate classification (germline): Uncertain significance. Review status: criteria provided, multiple submitters, no conflicts (2 of 4 stars). 2 submissions from 2 submitters: Uncertain significance (2). Last evaluated 2019-12-17.

gnomAD v4.1: 3 of 1,614,000 alleles (0.00019%); highest among the groups gnomAD compares: South Asian, 0.0022%; no homozygotes.

Submissions (2):

Blueprint Genetics
Classification: Uncertain significance. Last evaluated: 2019-12-17. Review status: criteria provided, single submitter. Criteria: ACMG Guidelines, 2015. Collection method: clinical testing. Allele origin: germline.

Labcorp Genetics (formerly Invitae), Labcorp
Classification: Uncertain significance. Last evaluated: 2019-10-02. Review status: criteria provided, single submitter. Criteria: Invitae Variant Classification Sherloc (09022015). Collection method: clinical testing. Allele origin: germline.
Comment: This variant has not been reported in the literature in individuals with ZNF408-related conditions. This variant is not present in population databases (ExAC no frequency). This sequence change replaces glycine with aspartic acid at codon 39 of the ZNF408 protein (p.Gly39Asp). The glycine residue is moderately conserved and there is a moderate physicochemical difference between glycine and aspartic acid. Algorithms developed to predict the effect of missense changes on protein structure and function output the following: SIFT: "Tolerated"; PolyPhen-2: "Benign"; Align-GVGD: "Class C0". The aspartic acid amino acid residue is found in multiple mammalian species, suggesting that this missense change does not adversely affect protein function. These predictions have not been confirmed by published functional studies and their clinical significance is uncertain. In summary, the available evidence is currently insufficient to determine the role of this variant in disease. Therefore, it has been classified as a Variant of Uncertain Significance.

NM_024741.3(ZNF408):c.116G>A (p.Gly39Asp)

Gene: ZNF408 (zinc finger protein 408; plus strand). Cytogenetic location: 11p11.2.
Variant type: single nucleotide variant.
Coding change: c.116G>A on transcript NM_024741.3 (MANE Select); coding-DNA position 116, G replaced by A.
Protein change: p.Gly39Asp; replaces glycine 39 with aspartic acid.
Molecular consequence: missense variant.
Genome position (GRCh38, 1-based): chr11:46,701,462, G>A. VCF-style: chr11-46701462-G-A. GRCh37 (hg19) VCF-style: chr11-46723012-G-A.
Other names: c.92G>A, p.Gly31Asp (NM_001184751.2); short protein forms G39D, G31D.
Identifiers: ClinVar variation 942556 (VCV000942556.10), dbSNP rs1565693379, ClinGen allele CA380251553.